The following is an entry in ClinVar:

NM_001849.4(COL6A2):c.928-19C>T

Gene: COL6A2 (collagen type VI alpha 2 chain; plus strand). Cytogenetic location: 21q22.3.
Variant type: single nucleotide variant.
Coding change: c.928-19C>T on transcript NM_001849.4 (MANE Select); 19 bases into the intron before coding-DNA position 928, C replaced by T.
Molecular consequence: intron variant.
Genome position (GRCh38, 1-based): chr21:46,116,632, C>T. VCF-style: chr21-46116632-C-T. GRCh37 (hg19) VCF-style: chr21-47536546-C-T.
Other names: c.928-19C>T (NM_058175.3, NM_058174.3).
Identifiers: ClinVar variation 93963 (VCV000093963.24), dbSNP rs762438, ClinGen allele CA147516.

ClinVar aggregate classification (germline): Benign. Review status: criteria provided, multiple submitters, no conflicts (2 of 4 stars). 12 submissions from 10 submitters: Benign (9). 3 of the submissions do not count toward it. Last evaluated 2026-02-04.

Conditions:
Ullrich congenital muscular dystrophy 1A. Also called: Intermediate COL6-RD; Ullrich congenital muscular dystrophy 1. Identifiers: Orphanet 75840, MedGen C0410179, MONDO:0009681, OMIM 254090.
Bethlem myopathy 1A. Also called: Bethlem Muscular Dystrophy; MYOPATHY, BENIGN CONGENITAL, WITH CONTRACTURES; Bethlem myopathy 1. Identifiers: Orphanet 610, MedGen CN029274, MONDO:0024530, OMIM 158810.
Myosclerosis. Also called: MYOPATHY, MYOSCLEROTIC; MYOSCLEROSIS, CONGENITAL, OF LOWENTHAL; Myosclerosis, congenital. Identifiers: Orphanet 289380, MedGen C1850671, MONDO:0009714, OMIM 255600.

Allele frequency attached by ClinVar (database versions not stated): 1000 Genomes Project 30x 0.39569; 1000 Genomes Project 0.39756; ESP Exome Variant Server 0.42464; TOPMed 0.44294; gnomAD 0.45341 and 0.45414; ExAC 0.49215; gnomAD exomes 0.50421.
gnomAD v4.1: 802,211 of 1,612,294 alleles (50%); highest among the groups gnomAD compares: Admixed American, 63%; 205,065 homozygotes.

Submissions (12):

Labcorp Genetics (formerly Invitae), Labcorp
Classification: Benign for Bethlem myopathy 1A. Last evaluated: 2026-02-04. Review status: criteria provided, single submitter. Criteria: Invitae Variant Classification Sherloc (09022015). Collection method: clinical testing. Allele origin: germline.

Blueprint Genetics
Classification: Benign. Last evaluated: 2024-11-28. Review status: criteria provided, single submitter. Criteria: ACMG Guidelines, 2015. Collection method: clinical testing. Allele origin: germline.

Genome-Nilou Lab
Classification: Benign for Myosclerosis. Last evaluated: 2021-07-30. Review status: criteria provided, single submitter. Criteria: ACMG Guidelines, 2015. Collection method: clinical testing. Allele origin: germline. Affected: no.

Genome-Nilou Lab
Classification: Benign for Bethlem myopathy 1A. Last evaluated: 2021-07-30. Review status: criteria provided, single submitter. Criteria: ACMG Guidelines, 2015. Collection method: clinical testing. Allele origin: germline. Affected: no.

Genome-Nilou Lab
Classification: Benign for Ullrich congenital muscular dystrophy 1A. Last evaluated: 2021-07-30. Review status: criteria provided, single submitter. Criteria: ACMG Guidelines, 2015. Collection method: clinical testing. Allele origin: germline. Affected: no.

GeneDx
Classification: Benign. Last evaluated: 2016-01-05. Review status: criteria provided, single submitter. Criteria: GeneDx Variant Classification (06012015). Collection method: clinical testing. Allele origin: germline. Affected: yes.
Comment: This variant is considered likely benign or benign based on one or more of the following criteria: it is a conservative change, it occurs at a poorly conserved position in the protein, it is predicted to be benign by multiple in silico algorithms, and/or has population frequency not consistent with disease.

Eurofins Ntd Llc (ga)
Classification: Benign. Last evaluated: 2013-08-12. Review status: criteria provided, single submitter. Criteria: EGL Classification Definitions 2015. Collection method: clinical testing. Allele origin: germline. Observed: 131 variant alleles, 94 heterozygotes, 37 homozygotes.

Breakthrough Genomics
Classification: Benign. Review status: criteria provided, single submitter. Criteria: ACMG Guidelines, 2015. Collection method: not provided. Allele origin: germline. Inheritance: Autosomal recessive inheritance. Affected: yes.

PreventionGenetics, part of Exact Sciences
Classification: Benign. Review status: criteria provided, single submitter. Criteria: ACMG Guidelines, 2015. Collection method: clinical testing. Allele origin: germline.

Clinical Genetics, Academic Medical Center
Classification: Benign. Review status: no assertion criteria provided. Collection method: clinical testing. Allele origin: germline. Affected: yes. Study: VKGL Data-share Consensus. Not counted in ClinVar's aggregate classification.

Diagnostic Laboratory, Department of Genetics, University Medical Center Groningen
Classification: Benign. Review status: no assertion criteria provided. Collection method: clinical testing. Allele origin: germline. Affected: yes. Study: VKGL Data-share Consensus. Not counted in ClinVar's aggregate classification.

Joint Genome Diagnostic Labs from Nijmegen and Maastricht, Radboudumc and MUMC+
Classification: Benign. Review status: no assertion criteria provided. Collection method: clinical testing. Allele origin: germline. Affected: yes. Study: VKGL Data-share Consensus. Not counted in ClinVar's aggregate classification.